The following is an entry in ClinVar:

NM_016239.4(MYO15A):c.9054G>T (p.Lys3018Asn)

Gene: MYO15A (myosin XVA; plus strand). Cytogenetic location: 17p11.2.
Variant type: single nucleotide variant.
Coding change: c.9054G>T on transcript NM_016239.4 (MANE Select); coding-DNA position 9054, G replaced by T.
Protein change: p.Lys3018Asn; replaces lysine 3018 with asparagine.
Molecular consequence: missense variant.
Genome position (GRCh38, 1-based): chr17:18,158,609, G>T. VCF-style: chr17-18158609-G-T. GRCh37 (hg19) VCF-style: chr17-18061923-G-T.
Other names: short protein forms K3018N.
Identifiers: ClinVar variation 1965435 (VCV001965435.5), dbSNP rs1383966140, ClinGen allele CA398632694.

ClinVar aggregate classification (germline): Uncertain significance (1 of 4 stars; one submission).

Allele frequency attached by ClinVar (database versions not stated): gnomAD 0.00001.
gnomAD v4.1: 2 of 1,614,082 alleles (0.00012%); highest among the groups gnomAD compares: African/African-American, 0.0013%; no homozygotes.

Submission:

Labcorp Genetics (formerly Invitae), Labcorp
Classification: Uncertain significance. Last evaluated: 2022-07-09. Review status: criteria provided, single submitter. Criteria: Invitae Variant Classification Sherloc (09022015). Collection method: clinical testing. Allele origin: germline.
Comment: This sequence change replaces lysine, which is basic and polar, with asparagine, which is neutral and polar, at codon 3018 of the MYO15A protein (p.Lys3018Asn). This variant is not present in population databases (gnomAD no frequency). This variant has not been reported in the literature in individuals affected with MYO15A-related conditions. Advanced modeling of protein sequence and biophysical properties (such as structural, functional, and spatial information, amino acid conservation, physicochemical variation, residue mobility, and thermodynamic stability) performed at Invitae indicates that this missense variant is not expected to disrupt MYO15A protein function. In summary, the available evidence is currently insufficient to determine the role of this variant in disease. Therefore, it has been classified as a Variant of Uncertain Significance.